The following is an entry in ClinVar:

NM_001042492.3(NF1):c.6463G>T (p.Glu2155Ter)

Gene: NF1 (neurofibromin 1; plus strand). Cytogenetic location: 17q11.2.
Variant type: single nucleotide variant.
Coding change: c.6463G>T on transcript NM_001042492.3 (MANE Select); coding-DNA position 6463, G replaced by T.
Protein change: p.Glu2155Ter; replaces glutamic acid 2155 with a stop codon.
Molecular consequence: nonsense.
Genome position (GRCh38, 1-based): chr17:31,337,403, G>T. VCF-style: chr17-31337403-G-T. GRCh37 (hg19) VCF-style: chr17-29664421-G-T.
Other names: c.6400G>T, p.Glu2134Ter (NM_000267.4); short protein forms E2134*, E2155*.
Identifiers: ClinVar variation 2823974 (VCV002823974.3), dbSNP rs2151556054, ClinGen allele CA399013064.

ClinVar aggregate classification (germline): Pathogenic (1 of 4 stars; one submission).

Conditions:
Neurofibromatosis, type 1 (NF1). Also called: VON RECKLINGHAUSEN DISEASE; Peripheral type neurofibromatosis; Neurofibromatosis, type I; NEUROFIBROMATOSIS, TYPE I, SOMATIC. Identifiers: Orphanet 636, MedGen C0027831, MONDO:0018975, OMIM 162200. Disease mechanism: loss of function.

Submission:

Labcorp Genetics (formerly Invitae), Labcorp
Classification: Pathogenic for Neurofibromatosis, type 1. Last evaluated: 2022-12-25. Review status: criteria provided, single submitter. Criteria: Invitae Variant Classification Sherloc (09022015). Collection method: clinical testing. Allele origin: germline.
Comment: For these reasons, this variant has been classified as Pathogenic. RNA analysis performed to evaluate the impact of this premature translational stop signal on mRNA splicing indicates it does not significantly alter splicing (Invitae). This variant has not been reported in the literature in individuals affected with NF1-related conditions. This variant is not present in population databases (gnomAD no frequency). This sequence change creates a premature translational stop signal (p.Glu2134*) in the NF1 gene. It is expected to result in an absent or disrupted protein product. Loss-of-function variants in NF1 are known to be pathogenic (PMID: 10712197, 23913538).

Literature cited by the submitters: PubMed 10712197; PubMed 23913538.